The following is an entry in ClinVar:

NM_024757.5(EHMT1):c.2111T>G (p.Leu704Arg)

Gene: EHMT1 (euchromatic histone lysine methyltransferase 1; plus strand). Cytogenetic location: 9q34.3.
Variant type: single nucleotide variant.
Coding change: c.2111T>G on transcript NM_024757.5 (MANE Select); coding-DNA position 2111, T replaced by G.
Protein change: p.Leu704Arg; replaces leucine 704 with arginine.
Molecular consequence: missense variant.
Genome position (GRCh38, 1-based): chr9:137,777,974, T>G. VCF-style: chr9-137777974-T-G. GRCh37 (hg19) VCF-style: chr9-140672426-T-G.
Other names: c.2111T>G, p.Leu704Arg (NM_001145527.2); c.2018T>G, p.Leu673Arg (NM_001354259.2); c.2090T>G, p.Leu697Arg (NM_001354263.2); short protein forms L697R, L673R, L704R.
Identifiers: ClinVar variation 4745503 (VCV004745503.1).

ClinVar aggregate classification (germline): Uncertain significance (1 of 4 stars; one submission).

Conditions:
Kleefstra syndrome 1 (KLEFS1). Identifiers: Orphanet 261494, MedGen C0795833, MONDO:0027407, OMIM 610253.

Submission:

Labcorp Genetics (formerly Invitae), Labcorp
Classification: Uncertain significance for Kleefstra syndrome 1. Last evaluated: 2025-12-05. Review status: criteria provided, single submitter. Criteria: Invitae Variant Classification Sherloc (09022015). Collection method: clinical testing. Allele origin: germline.
Comment: This sequence change replaces leucine, which is neutral and non-polar, with arginine, which is basic and polar, at codon 704 of the EHMT1 protein (p.Leu704Arg). This variant is not present in population databases (gnomAD no frequency). This variant has not been reported in the literature in individuals affected with EHMT1-related conditions. Invitae Evidence Modeling of protein sequence and biophysical properties (such as structural, functional, and spatial information, amino acid conservation, physicochemical variation, residue mobility, and thermodynamic stability) indicates that this missense variant is not expected to disrupt EHMT1 protein function with a negative predictive value of 80%. In summary, the available evidence is currently insufficient to determine the role of this variant in disease. Therefore, it has been classified as a Variant of Uncertain Significance.